The following is an entry in ClinVar:

NM_032119.4(ADGRV1):c.2270C>A (p.Ser757Tyr)

Gene: ADGRV1 (adhesion G protein-coupled receptor V1; plus strand). Cytogenetic location: 5q14.3.
Variant type: single nucleotide variant.
Coding change: c.2270C>A on transcript NM_032119.4 (MANE Select); coding-DNA position 2270, C replaced by A.
Protein change: p.Ser757Tyr; replaces serine 757 with tyrosine.
Molecular consequence: missense variant. On other transcripts: non-coding transcript variant (1).
Genome position (GRCh38, 1-based): chr5:90,642,665, C>A. VCF-style: chr5-90642665-C-A. GRCh37 (hg19) VCF-style: chr5-89938482-C-A.
Other names: short protein forms S757Y.
Identifiers: ClinVar variation 2193274 (VCV002193274.1), dbSNP rs1767124243, ClinGen allele CA360387247.

ClinVar aggregate classification (germline): Uncertain significance (1 of 4 stars; one submission).

Allele frequency attached by ClinVar (database versions not stated): TOPMed below 0.00001.

Submission:

Labcorp Genetics (formerly Invitae), Labcorp
Classification: Uncertain significance. Last evaluated: 2022-10-13. Review status: criteria provided, single submitter. Criteria: Invitae Variant Classification Sherloc (09022015). Collection method: clinical testing. Allele origin: germline.
Comment: This sequence change replaces serine, which is neutral and polar, with tyrosine, which is neutral and polar, at codon 757 of the ADGRV1 protein (p.Ser757Tyr). This variant is not present in population databases (gnomAD no frequency). This variant has not been reported in the literature in individuals affected with ADGRV1-related conditions. Advanced modeling of protein sequence and biophysical properties (such as structural, functional, and spatial information, amino acid conservation, physicochemical variation, residue mobility, and thermodynamic stability) performed at Invitae indicates that this missense variant is not expected to disrupt ADGRV1 protein function. In summary, the available evidence is currently insufficient to determine the role of this variant in disease. Therefore, it has been classified as a Variant of Uncertain Significance.